The following is an entry in ClinVar:

ClinVar aggregate classification (germline): Conflicting classifications of pathogenicity. Review status: criteria provided, conflicting classifications (1 of 4 stars). 3 submissions from 3 submitters: Likely pathogenic (1); Uncertain significance (1). 1 of the submissions does not count toward it. Last evaluated 2022-10-24.

Conditions:
Severe early-childhood-onset retinal dystrophy (STGD1). Also called: Stargardt macular dystrophy; Juvenile onset macular degeneration; Stargardt disease 1; MACULAR DYSTROPHY WITH FLECKS, TYPE 1; STGD. Identifiers: Orphanet 364055, Orphanet 827, MedGen C1855465, MeSH D000080362, MONDO:0009549, OMIM 248200.

Submissions (3):

Labcorp Genetics (formerly Invitae), Labcorp
Classification: Likely pathogenic. Last evaluated: 2022-10-24. Review status: criteria provided, single submitter. Criteria: Invitae Variant Classification Sherloc (09022015). Collection method: clinical testing. Allele origin: germline.
Comment: In summary, the currently available evidence indicates that the variant is pathogenic, but additional data are needed to prove that conclusively. Therefore, this variant has been classified as Likely Pathogenic. This variant disrupts the p.Glu1520 amino acid residue in ABCA4. Other variant(s) that disrupt this residue have been observed in individuals with ABCA4-related conditions (PMID: 26593885, 33301772), which suggests that this may be a clinically significant amino acid residue. Algorithms developed to predict the effect of missense changes on protein structure and function (SIFT, PolyPhen-2, Align-GVGD) all suggest that this variant is likely to be disruptive. This missense change has been observed in individual(s) with Stargardt disease (Invitae). This variant is not present in population databases (gnomAD no frequency). This sequence change replaces glutamic acid, which is acidic and polar, with glutamine, which is neutral and polar, at codon 1520 of the ABCA4 protein (p.Glu1520Gln).

Blueprint Genetics
Classification: Uncertain significance. Last evaluated: 2020-09-10. Review status: criteria provided, single submitter. Criteria: ACMG Guidelines, 2015. Collection method: clinical testing. Allele origin: germline.

Ophthalmo-Genetics Lab, Instituto de Oftalmologia Conde de Valenciana
Classification: Likely pathogenic for Severe early-childhood-onset retinal dystrophy. Review status: no assertion criteria provided. Collection method: research. Allele origin: germline. Inheritance: Autosomal recessive inheritance. Affected: yes. Not counted in ClinVar's aggregate classification.

Literature cited by the submitters: PubMed 26593885 (cited by Labcorp Genetics (formerly Invitae), Labcorp); PubMed 33301772 (cited by Labcorp Genetics (formerly Invitae), Labcorp); PubMed 12192456 (cited by Ophthalmo-Genetics Lab, Instituto de Oftalmologia Conde de Valenciana).

NM_000350.3(ABCA4):c.4558G>C (p.Glu1520Gln)

Gene: ABCA4 (ATP binding cassette subfamily A member 4; minus strand). Cytogenetic location: 1p22.1.
Variant type: single nucleotide variant.
Coding change: c.4558G>C on transcript NM_000350.3 (MANE Select); coding-DNA position 4558, G replaced by C.
Protein change: p.Glu1520Gln; replaces glutamic acid 1520 with glutamine.
Molecular consequence: missense variant.
Genome position (GRCh38, 1-based): chr1:94,025,030, C>G on the plus strand (G>C on the coding strand, the complement: ABCA4 is on the minus strand). VCF-style: chr1-94025030-C-G. GRCh37 (hg19) VCF-style: chr1-94490586-C-G.
Other names: c.4336G>C, p.Glu1446Gln (NM_001425324.1); short protein forms E1520Q, E1446Q.
Identifiers: ClinVar variation 2111288 (VCV002111288.6), dbSNP rs2523707250, ClinGen allele CA341284717.